The following is an entry in ClinVar:

NM_207122.2(EXT2):c.*472C>T

Gene: EXT2 (exostosin glycosyltransferase 2; plus strand). Cytogenetic location: 11p11.2.
Variant type: single nucleotide variant.
Coding change: c.*472C>T on transcript NM_207122.2 (MANE Select); 472 bases downstream of the stop codon, C replaced by T.
Molecular consequence: 3 prime UTR variant.
Genome position (GRCh38, 1-based): chr11:44,244,759, C>T. VCF-style: chr11-44244759-C-T. GRCh37 (hg19) VCF-style: chr11-44266309-C-T.
Other names: c.*472C>T (NM_000401.3, NM_001178083.3, NM_001389628.1 and 1 more transcripts).
Identifiers: ClinVar variation 304602 (VCV000304602.5), dbSNP rs74424177, ClinGen allele CA10638474.

ClinVar aggregate classification (germline): Benign (1 of 4 stars; one submission).

Conditions:
Exostoses, multiple, type 2 (EXT2). Also called: Hereditary Multiple Osteochondromatosis, Type II; EXOSTOSES, MULTIPLE, TYPE II. Identifiers: Orphanet 321, MedGen C1851413, MONDO:0007586, OMIM 133701.

Allele frequency attached by ClinVar (database versions not stated): gnomAD exomes 0.00149; 1000 Genomes Project 0.00619; 1000 Genomes Project 30x 0.00671; gnomAD 0.00756 and 0.00819; TOPMed 0.00929.
gnomAD v4.1: 1,314 of 255,198 alleles (0.51%); highest among the groups gnomAD compares: African/African-American, 2.5%; 14 homozygotes.

Submission:

Illumina Laboratory Services, Illumina
Classification: Benign for Exostoses, multiple, type 2. Last evaluated: 2018-01-13. Review status: criteria provided, single submitter. Criteria: ICSL Variant Classification Criteria 13 December 2019. Collection method: clinical testing. Allele origin: germline.
Comment: This variant was observed in the ICSL laboratory as part of a predisposition screen in an ostensibly healthy population. It had not been previously curated by ICSL or reported in the Human Gene Mutation Database (HGMD: prior to June 1st, 2018), and was therefore a candidate for classification through an automated scoring system. Utilizing variant allele frequency, disease prevalence and penetrance estimates, and inheritance mode, an automated score was calculated to assess if this variant is too frequent to cause the disease. Based on the score and internal cut-off values, a variant classified as benign is not then subjected to further curation. The score for this variant resulted in a classification of benign for this disease.